The following is an entry in ClinVar:

ClinVar aggregate classification (germline): Likely benign. Review status: criteria provided, multiple submitters, no conflicts (2 of 4 stars). 7 submissions from 7 submitters: Likely benign (7). Last evaluated 2026-01-13.

Conditions:
Distal myopathy with posterior leg and anterior hand involvement. Also called: WILLIAMS DISTAL MYOPATHY. Identifiers: Orphanet 63273, MedGen C3279722, MONDO:0013550, OMIM 614065.
Myofibrillar myopathy 5. Also called: Filaminopathy (type); FILAMINOPATHY, AUTOSOMAL DOMINANT. Identifiers: Orphanet 171445, MedGen C1836050, MONDO:0012289, OMIM 609524.
Hypertrophic cardiomyopathy 26. Also called: Cardiomyopathy, familial hypertrophic, 26. Identifiers: Orphanet 75249, MedGen C4310749, MONDO:0014883, OMIM 617047.
FLNC-related disorder. Also called: FLNC-related disorders; FLNC-related condition.
Cardiovascular phenotype. Identifiers: MedGen CN230736.

Allele frequency attached by ClinVar (database versions not stated): ExAC 0.00003; gnomAD 0.00003; TOPMed 0.00008.
gnomAD v4.1: 72 of 1,613,978 alleles (0.0045%); highest among the groups gnomAD compares: Middle Eastern, 0.049%; 1 homozygote.

Submissions (7):

Labcorp Genetics (formerly Invitae), Labcorp
Classification: Likely benign for Distal myopathy with posterior leg and anterior hand involvement; Myofibrillar myopathy 5; Hypertrophic cardiomyopathy 26. Last evaluated: 2026-01-13. Review status: criteria provided, single submitter. Criteria: Invitae Variant Classification Sherloc (09022015). Collection method: clinical testing. Allele origin: germline.

PreventionGenetics, part of Exact Sciences
Classification: Likely benign for FLNC-related condition. Last evaluated: 2025-12-13. Review status: criteria provided, single submitter. Criteria: ACMG Guidelines, 2015. Collection method: clinical testing. Allele origin: germline.
Comment: This variant is classified as likely benign based on ACMG/AMP sequence variant interpretation guidelines (Richards et al. 2015 PMID: 25741868, with internal and published modifications).

Molecular Diagnostic Laboratory for Inherited Cardiovascular Disease, Montreal Heart Institute
Classification: Likely benign. Last evaluated: 2025-04-09. Review status: criteria provided, single submitter. Criteria: ACMG Guidelines, 2015. Collection method: clinical testing. Allele origin: germline. Affected: no.
Comment: BP7

CeGaT Center for Human Genetics Tuebingen
Classification: Likely benign. Last evaluated: 2024-05-01. Review status: criteria provided, single submitter. Criteria: CeGaT Center For Human Genetics Tuebingen Variant Classification Criteria Version 2. Collection method: clinical testing. Allele origin: germline. Affected: yes. Observed: 3 variant alleles.
Comment: FLNC: BP4, BP7

Blueprint Genetics
Classification: Likely benign. Last evaluated: 2023-12-27. Review status: criteria provided, single submitter. Criteria: ACMG Guidelines, 2015. Collection method: clinical testing. Allele origin: germline.

Women's Health and Genetics/Laboratory Corporation of America, LabCorp
Classification: Likely benign. Last evaluated: 2023-08-19. Review status: criteria provided, single submitter. Criteria: LabCorp Variant Classification Summary - May 2015. Collection method: clinical testing. Allele origin: germline.

Ambry Genetics
Classification: Likely benign for Cardiovascular phenotype. Last evaluated: 2019-06-06. Review status: criteria provided, single submitter. Criteria: Ambry Variant Classification Scheme 2023. Collection method: clinical testing. Allele origin: germline.

NM_001458.5(FLNC):c.2673G>A (p.Thr891=)

Gene: FLNC (filamin C; plus strand). Cytogenetic location: 7q32.1.
Variant type: single nucleotide variant.
Coding change: c.2673G>A on transcript NM_001458.5 (MANE Select); coding-DNA position 2673, G replaced by A.
Protein change: p.Thr891=; no amino-acid change (threonine 891 retained).
Molecular consequence: synonymous variant.
Genome position (GRCh38, 1-based): chr7:128,843,439, G>A. VCF-style: chr7-128843439-G-A. GRCh37 (hg19) VCF-style: chr7-128483493-G-A.
Other names: c.2673G>A, p.Thr891= (NM_001127487.2).
Identifiers: ClinVar variation 570642 (VCV000570642.38), dbSNP rs761823234, ClinGen allele CA4474819.